The following is an entry in ClinVar:

ClinVar aggregate classification (germline): Likely benign (1 of 4 stars; one submission).

gnomAD v4.1: 49 of 1,547,128 alleles (0.0032%); highest among the groups gnomAD compares: East Asian, 0.1%; no homozygotes.

Submission:

CeGaT Center for Human Genetics Tuebingen
Classification: Likely benign. Last evaluated: 2026-06-01. Review status: criteria provided, single submitter. Criteria: CeGaT Center For Human Genetics Tuebingen Variant Classification Criteria Version 2. Collection method: clinical testing. Allele origin: germline. Affected: yes. Observed: 1 variant allele.
Comment: SETD1B: BP4, BP7

NM_001353345.2(SETD1B):c.1296G>A (p.Pro432=)

Gene: SETD1B (SET domain containing 1B, histone lysine methyltransferase; plus strand). Cytogenetic location: 12q24.31.
Variant type: single nucleotide variant.
Coding change: c.1296G>A on transcript NM_001353345.2 (MANE Select); coding-DNA position 1296, G replaced by A.
Protein change: p.Pro432=; no amino-acid change (proline 432 retained).
Molecular consequence: synonymous variant.
Genome position (GRCh38, 1-based): chr12:121,810,241, G>A. VCF-style: chr12-121810241-G-A. GRCh37 (hg19) VCF-style: chr12-122248147-G-A.
Identifiers: ClinVar variation 4873943 (VCV004873943.2).